The following is an entry in ClinVar:

NM_001267550.2(TTN):c.70112G>A (p.Arg23371His)

Genes: TTN (titin; minus strand), TTN-AS1 (TTN antisense RNA 1; plus strand), LOC126806422 (BRD4-independent group 4 enhancer GRCh37_chr2:179440205-179441404; plus strand). Cytogenetic location: 2q31.2.
Variant type: single nucleotide variant.
Coding change: c.70112G>A on transcript NM_001267550.2 (MANE Select); coding-DNA position 70112, G replaced by A.
Protein change: p.Arg23371His; replaces arginine 23371 with histidine.
Molecular consequence: missense variant.
Genome position (GRCh38, 1-based): chr2:178,576,020, C>T on the plus strand (G>A on the coding strand, the complement: TTN is on the minus strand). VCF-style: chr2-178576020-C-T. GRCh37 (hg19) VCF-style: chr2-179440747-C-T.
Other names: c.65189G>A, p.Arg21730His (NM_001256850.1); c.42917G>A, p.Arg14306His (NM_003319.4); c.62408G>A, p.Arg20803His (NM_133378.4); c.43292G>A, p.Arg14431His (NM_133432.3); c.43493G>A, p.Arg14498His (NM_133437.4); short protein forms R14306H, R14431H, R14498H, R20803H, R21730H, R23371H.
Identifiers: ClinVar variation 3253303 (VCV003253303.2), dbSNP rs767208489.

ClinVar aggregate classification (germline): Uncertain significance. Review status: criteria provided, multiple submitters, no conflicts (2 of 4 stars). 2 submissions from 2 submitters: Uncertain significance (2). Last evaluated 2026-07-01.

Allele frequency attached by ClinVar (database versions not stated): ExAC 0.00002.
gnomAD v4.1: 16 of 1,612,808 alleles (0.00099%); highest among the groups gnomAD compares: Admixed American, 0.0067%; no homozygotes.

Submissions (2):

CeGaT Center for Human Genetics Tuebingen
Classification: Uncertain significance. Last evaluated: 2026-07-01. Review status: criteria provided, single submitter. Criteria: CeGaT Center For Human Genetics Tuebingen Variant Classification Criteria Version 2. Collection method: clinical testing. Allele origin: germline. Affected: yes. Observed: 1 variant allele.
Comment: TTN: PM2

GeneDx
Classification: Uncertain significance. Last evaluated: 2024-03-05. Review status: criteria provided, single submitter. Criteria: GeneDx Variant Classification Process June 2021. Collection method: clinical testing. Allele origin: germline. Affected: yes.
Comment: Not observed at significant frequency in large population cohorts (gnomAD); Missense variant in a gene in which most reported pathogenic variants are truncating/loss of function; Has not been previously published as pathogenic or benign to our knowledge